The following is an entry in ClinVar:

NM_178857.6(RP1L1):c.3457A>T (p.Ile1153Phe)

Gene: RP1L1 (RP1 like 1). Cytogenetic location: 8p23.1.
Variant type: single nucleotide variant.
Coding change: c.3457A>T on transcript NM_178857.6 (MANE Select); coding-DNA position 3457, A replaced by T.
Protein change: p.Ile1153Phe; replaces isoleucine 1153 with phenylalanine.
Molecular consequence: missense variant.
Genome position (GRCh38, 1-based): chr8:10,610,641, T>A on the plus strand (A>T on the coding strand, the complement: RP1L1 is on the minus strand). VCF-style: chr8-10610641-T-A. GRCh37 (hg19) VCF-style: chr8-10468151-T-A.
Other names: short protein forms I1153F.
Identifiers: ClinVar variation 4986748 (VCV004986748.1).

ClinVar aggregate classification (germline): Uncertain significance (1 of 4 stars; one submission).

Conditions:
RP1L1-related disorder. Also called: RP1L1-related condition.

gnomAD v4.1: 14 of 1,612,442 alleles (0.00087%); highest among the groups gnomAD compares: South Asian, 0.015%; no homozygotes.

Submission:

PreventionGenetics, part of Exact Sciences
Classification: Uncertain significance for RP1L1-related condition. Last evaluated: 2026-06-23. Review status: criteria provided, single submitter. Criteria: ACMG Guidelines, 2015. Collection method: clinical testing. Allele origin: germline.
Comment: The RP1L1 c.3457A>T variant is predicted to result in the amino acid substitution p.Ile1153Phe. To our knowledge, this variant has not been reported in the literature. This variant is reported in 0.020% of alleles in individuals of South Asian descent in gnomAD. At this time, the clinical significance of this variant is uncertain due to the absence of conclusive functional and genetic evidence.